The following is an entry in ClinVar:

NM_006516.4(SLC2A1):c.1171G>A (p.Val391Met)

Gene: SLC2A1 (solute carrier family 2 member 1; minus strand). Cytogenetic location: 1p34.2.
Variant type: single nucleotide variant.
Coding change: c.1171G>A on transcript NM_006516.4 (MANE Select); coding-DNA position 1171, G replaced by A.
Protein change: p.Val391Met; replaces valine 391 with methionine.
Molecular consequence: missense variant.
Genome position (GRCh38, 1-based): chr1:42,927,712, C>T on the plus strand (G>A on the coding strand, the complement: SLC2A1 is on the minus strand). VCF-style: chr1-42927712-C-T. GRCh37 (hg19) VCF-style: chr1-43393383-C-T.
Other names: short protein forms V391M.
Identifiers: ClinVar variation 595526 (VCV000595526.17), dbSNP rs764168088, ClinGen allele CA803330.

ClinVar aggregate classification (germline): Uncertain significance. Review status: criteria provided, multiple submitters, no conflicts (2 of 4 stars). 9 submissions from 5 submitters: Uncertain significance (9). Last evaluated 2025-09-23.

Conditions:
Inborn genetic diseases. Identifiers: MedGen C0950123, MeSH D030342.
Epilepsy, idiopathic generalized, susceptibility to, 12 (EIG12). Identifiers: MedGen C3553859, MONDO:0013919, OMIM 614847.
Dystonia 9 (DYT9). Also called: CHOREOATHETOSIS, KINESIGENIC, WITH EPISODIC ATAXIA AND SPASTICITY. Identifiers: Orphanet 53583, MedGen C1832855, MONDO:0010983, OMIM 601042.
Hereditary cryohydrocytosis with reduced stomatin. Also called: Stomatin-deficient cryohydrocytosis with neurologic defects; GLUT1 DEFICIENCY SYNDROME WITH PSEUDOHYPERKALEMIA AND HEMOLYSIS. Identifiers: Orphanet 168577, MedGen C1837206, MONDO:0012143, OMIM 608885.
Childhood onset GLUT1 deficiency syndrome 2. Also called: PxMD-SLC2A1; GLUT1 deficiency syndrome 2; PAROXYSMAL EXERCISE-INDUCED DYSKINESIA WITH OR WITHOUT EPILEPSY AND/OR HEMOLYTIC ANEMIA; PAROXYSMAL EXERTION-INDUCED DYSTONIA WITH OR WITHOUT EPILEPSY AND/OR HEMOLYTIC ANEMIA; PED WITH OR WITHOUT EPILEPSY AND/OR HEMOLYTIC ANEMIA; Exertion-induced paroxysmal dyskinesia. Identifiers: Orphanet 98811, MedGen C1842534, MONDO:0012805, OMIM 612126.
Encephalopathy due to GLUT1 deficiency. Also called: GLUT1 deficiency syndrome 1, infantile onset, severe; De Vivo disease; GLUT1 deficiency syndrome 1; GLUCOSE TRANSPORT DEFECT, BLOOD-BRAIN BARRIER; Classic Glucose Transporter Type 1 Deficiency Syndrome; Glucose transporter protein syndrome. Identifiers: Orphanet 71277, MedGen C4551966, MONDO:0011724, OMIM 606777.
GLUT1 deficiency syndrome 1, autosomal recessive. Identifiers: MedGen C3149117.

Allele frequency attached by ClinVar (database versions not stated): gnomAD exomes below 0.00001; ExAC 0.00001; gnomAD 0.00001; TOPMed 0.00001.
gnomAD v4.1: 5 of 1,613,870 alleles (0.00031%); highest among the groups gnomAD compares: African/African-American, 0.0013%; no homozygotes.

Submissions (9):

GeneDx
Classification: Uncertain significance. Last evaluated: 2025-09-23. Review status: criteria provided, single submitter. Criteria: GeneDx Variant Classification Process June 2021. Collection method: clinical testing. Allele origin: germline. Affected: yes.
Comment: Not observed at significant frequency in large population cohorts (gnomAD); In silico analysis supports that this missense variant has a deleterious effect on protein structure/function; Has not been previously published as pathogenic or benign to our knowledge; This variant is associated with the following publications: (PMID: Smeets_2017_Abstract)

Labcorp Genetics (formerly Invitae), Labcorp
Classification: Uncertain significance for GLUT1 deficiency syndrome 1, autosomal recessive. Last evaluated: 2024-03-01. Review status: criteria provided, single submitter. Criteria: Invitae Variant Classification Sherloc (09022015). Collection method: clinical testing. Allele origin: germline.
Comment: This sequence change replaces valine, which is neutral and non-polar, with methionine, which is neutral and non-polar, at codon 391 of the SLC2A1 protein (p.Val391Met). This variant is present in population databases (rs764168088, gnomAD 0.007%). This variant has not been reported in the literature in individuals affected with SLC2A1-related conditions. ClinVar contains an entry for this variant (Variation ID: 595526). Advanced modeling of protein sequence and biophysical properties (such as structural, functional, and spatial information, amino acid conservation, physicochemical variation, residue mobility, and thermodynamic stability) performed at Invitae indicates that this missense variant is expected to disrupt SLC2A1 protein function with a positive predictive value of 95%. In summary, the available evidence is currently insufficient to determine the role of this variant in disease. Therefore, it has been classified as a Variant of Uncertain Significance.

Genome-Nilou Lab
Classification: Uncertain significance for Epilepsy, idiopathic generalized, susceptibility to, 12. Last evaluated: 2023-04-11. Review status: criteria provided, single submitter. Criteria: ACMG Guidelines, 2015. Collection method: clinical testing. Allele origin: germline. Affected: no.

Genome-Nilou Lab
Classification: Uncertain significance for Dystonia 9. Last evaluated: 2023-04-11. Review status: criteria provided, single submitter. Criteria: ACMG Guidelines, 2015. Collection method: clinical testing. Allele origin: germline. Affected: no.

Genome-Nilou Lab
Classification: Uncertain significance for Encephalopathy due to GLUT1 deficiency. Last evaluated: 2023-04-11. Review status: criteria provided, single submitter. Criteria: ACMG Guidelines, 2015. Collection method: clinical testing. Allele origin: germline. Affected: no.

Genome-Nilou Lab
Classification: Uncertain significance for Childhood onset GLUT1 deficiency syndrome 2. Last evaluated: 2023-04-11. Review status: criteria provided, single submitter. Criteria: ACMG Guidelines, 2015. Collection method: clinical testing. Allele origin: germline. Affected: no.

Genome-Nilou Lab
Classification: Uncertain significance for Hereditary cryohydrocytosis with reduced stomatin. Last evaluated: 2023-04-11. Review status: criteria provided, single submitter. Criteria: ACMG Guidelines, 2015. Collection method: clinical testing. Allele origin: germline. Affected: no.

Ambry Genetics
Classification: Uncertain significance for Inborn genetic diseases. Last evaluated: 2019-04-01. Review status: criteria provided, single submitter. Criteria: Ambry exome assertion method (8-5-2015). Collection method: clinical testing. Allele origin: germline. Affected: yes. Observed: 1 variant allele.

Eurofins Ntd Llc (ga)
Classification: Uncertain significance. Last evaluated: 2017-12-29. Review status: criteria provided, single submitter. Criteria: EGL Classification Definitions 2015. Collection method: clinical testing. Allele origin: germline. Observed: 1 variant allele, 1 heterozygote.